The following is an entry in ClinVar:

ClinVar aggregate classification (germline): Benign/Likely benign. Review status: criteria provided, multiple submitters, no conflicts (2 of 4 stars). 3 submissions from 3 submitters: Benign (1); Likely benign (2). Last evaluated 2024-10-31.

Conditions:
Prostate cancer, hereditary, 9 (HPC9). Identifiers: Orphanet 1331, MedGen C1970250, MONDO:0012597, OMIM 610997.
Hereditary cancer-predisposing syndrome. Also called: Neoplastic Syndromes, Hereditary; Tumor predisposition; Hereditary Cancer Syndrome; Hereditary neoplastic syndrome. Identifiers: Orphanet 140162, MedGen C0027672, MeSH D009386, MONDO:0015356.

Allele frequency attached by ClinVar (database versions not stated): gnomAD exomes below 0.00001.

Submissions (3):

Myriad Genetics, Inc.
Classification: Benign for Prostate cancer, hereditary, 9. Last evaluated: 2024-10-31. Review status: criteria provided, single submitter. Criteria: Myriad Autosomal Dominant, Autosomal Recessive and X-Linked Classification Criteria (2023). Collection method: clinical testing. Allele origin: unknown.
Comment: This variant is considered benign. This variant is a silent/synonymous amino acid change and it is not expected to impact splicing.

Labcorp Genetics (formerly Invitae), Labcorp
Classification: Likely benign. Last evaluated: 2024-03-15. Review status: criteria provided, single submitter. Criteria: Invitae Variant Classification Sherloc (09022015). Collection method: clinical testing. Allele origin: germline.

Ambry Genetics
Classification: Likely benign for Hereditary cancer-predisposing syndrome. Last evaluated: 2019-07-18. Review status: criteria provided, single submitter. Criteria: Ambry Variant Classification Scheme 2023. Collection method: clinical testing. Allele origin: germline.

NM_006361.6(HOXB13):c.759C>T (p.Thr253=)

Gene: HOXB13 (homeobox B13; minus strand). Cytogenetic location: 17q21.32.
Variant type: single nucleotide variant.
Coding change: c.759C>T on transcript NM_006361.6 (MANE Select); coding-DNA position 759, C replaced by T.
Protein change: p.Thr253=; no amino-acid change (threonine 253 retained).
Molecular consequence: synonymous variant.
Genome position (GRCh38, 1-based): chr17:48,726,886, G>A on the plus strand (C>T on the coding strand, the complement: HOXB13 is on the minus strand). VCF-style: chr17-48726886-G-A. GRCh37 (hg19) VCF-style: chr17-46804248-G-A.
Identifiers: ClinVar variation 1759692 (VCV001759692.5), dbSNP rs2509512963, ClinGen allele CA500500683.